The following is an entry in ClinVar:

ClinVar aggregate classification (germline): Likely benign. Review status: criteria provided, multiple submitters, no conflicts (2 of 4 stars). 3 submissions from 3 submitters: Likely benign (3). Last evaluated 2025-08-21.

Conditions:
Inborn genetic diseases. Identifiers: MedGen C0950123, MeSH D030342.

Submissions (3):

Labcorp Genetics (formerly Invitae), Labcorp
Classification: Likely benign. Last evaluated: 2025-08-21. Review status: criteria provided, single submitter. Criteria: Invitae Variant Classification Sherloc (09022015). Collection method: clinical testing. Allele origin: germline.

GeneDx
Classification: Likely benign. Last evaluated: 2022-06-22. Review status: criteria provided, single submitter. Criteria: GeneDx Variant Classification Process June 2021. Collection method: clinical testing. Allele origin: germline. Affected: yes.
Comment: See Variant Classification Assertion Criteria.

Ambry Genetics
Classification: Likely benign for Inborn genetic diseases. Last evaluated: 2018-02-27. Review status: criteria provided, single submitter. Criteria: Ambry Variant Classification Scheme 2023. Collection method: clinical testing. Allele origin: germline.

NM_001374828.1(ARID1B):c.615GCA[2] (p.Gln210_Gln214del)

Genes: ARID1B (AT-rich interaction domain 1B; plus strand), LOC115308161 (uncharacterized LOC115308161; minus strand). Cytogenetic location: 6q25.3.
Variant type: Microsatellite.
Coding change: c.615GCA[2] on transcript NM_001374828.1 (MANE Select); two copies in a row of the 3-base unit GCA starting at c.615; the reference has seven copies in a row; five copies, 15 bases deleted.
Protein change: p.Gln210_Gln214del.
Molecular consequence: inframe deletion. On other transcripts: non-coding transcript variant (1).
Genome position (GRCh38, 1-based): chr6:156,778,301-156,778,315, GCAGCAGCAGCAGCA deleted; deleting any 15 consecutive bases within chr6:156,778,293-156,778,315 gives the same sequence; the position shown is the placement nearest the transcript's 3' end. VCF-style (leftmost placement, unchanged base first): chr6-156778292-ACAGCAGCAGCAGCAG-A. GRCh37 (hg19) VCF-style: chr6-157099426-ACAGCAGCAGCAGCAG-A.
Other names: c.372_386del (NM_020732.3); c.372_386del15 (NM_020732.3); c.615GCA[2], p.Gln210_Gln214del (NM_001371656.1, NM_001374820.1, NM_017519.3).
Identifiers: ClinVar variation 1220153 (VCV001220153.10), dbSNP rs587779744, ClinGen allele CA821296225.